The following is an entry in ClinVar:

NM_000834.5(GRIN2B):c.163G>A (p.Glu55Lys)

Gene: GRIN2B (glutamate ionotropic receptor NMDA type subunit 2B; minus strand). Cytogenetic location: 12p13.1.
Variant type: single nucleotide variant.
Coding change: c.163G>A on transcript NM_000834.5 (MANE Select); coding-DNA position 163, G replaced by A.
Protein change: p.Glu55Lys; replaces glutamic acid 55 with lysine.
Molecular consequence: missense variant.
Genome position (GRCh38, 1-based): chr12:13,866,046, C>T on the plus strand (G>A on the coding strand, the complement: GRIN2B is on the minus strand). VCF-style: chr12-13866046-C-T. GRCh37 (hg19) VCF-style: chr12-14018980-C-T.
Other names: short protein forms E55K.
Identifiers: ClinVar variation 977405 (VCV000977405.10), dbSNP rs763469464, ClinGen allele CA6461450.

ClinVar aggregate classification (germline): Conflicting classifications of pathogenicity. Review status: criteria provided, conflicting classifications (1 of 4 stars). 3 submissions from 3 submitters: Uncertain significance (2); Benign (1). Last evaluated 2024-12-16.

Conditions:
Intellectual developmental disorder, autosomal dominant 6, with or without seizures. Also called: Intellectual disability, autosomal dominant 6; GRIN2B-related developmental delay, intellectual disability and autism spectrum disorder. Identifiers: Orphanet 589547, MedGen C3151411, MONDO:0013509, OMIM 613970.
Developmental and epileptic encephalopathy, 27 (DEE27). Also called: Epileptic encephalopathy, early infantile, 27; GRIN2B-Related Neurodevelopmental Disorder. Identifiers: Orphanet 3451, MedGen C4015316, MONDO:0014505, OMIM 616139.
Inborn genetic diseases. Identifiers: MedGen C0950123, MeSH D030342.

Allele frequency attached by ClinVar (database versions not stated): gnomAD exomes below 0.00001 and 0.00001; ExAC 0.00001.
gnomAD v4.1: 17 of 1,614,046 alleles (0.0011%); highest among the groups gnomAD compares: Non-Finnish European, 0.0013%; no homozygotes.

Submissions (3):

Labcorp Genetics (formerly Invitae), Labcorp
Classification: Benign for Developmental and epileptic encephalopathy, 27; Intellectual developmental disorder, autosomal dominant 6, with or without seizures. Last evaluated: 2024-12-16. Review status: criteria provided, single submitter. Criteria: Invitae Variant Classification Sherloc (09022015). Collection method: clinical testing. Allele origin: germline.

New York Genome Center
Classification: Uncertain significance for Developmental and epileptic encephalopathy, 27. Last evaluated: 2022-01-07. Review status: criteria provided, single submitter. Criteria: NYGC Assertion Criteria 2020. Collection method: clinical testing. Allele origin: inherited. Observed: 1 heterozygote. Study: CSER-NYCKidSeq.

Ambry Genetics
Classification: Uncertain significance for Inborn genetic diseases. Last evaluated: 2017-09-29. Review status: criteria provided, single submitter. Criteria: Ambry Variant Classification Scheme 2023. Collection method: clinical testing. Allele origin: germline.
Comment: The p.E55K variant (also known as c.163G>A), located in coding exon 1 of the GRIN2B gene, results from a G to A substitution at nucleotide position 163. The glutamic acid at codon 55 is replaced by lysine, an amino acid with similar properties. This amino acid position is well conserved in available vertebrate species; however, lysine is the reference amino acid in other vertebrate species. In addition, this alteration is predicted to be tolerated by in silico analysis. Since supporting evidence is limited at this time, the clinical significance of this alteration remains unclear.